The following is an entry in ClinVar:

NM_198578.4(LRRK2):c.4744C>T (p.Leu1582Phe)

Gene: LRRK2 (leucine rich repeat kinase 2; plus strand). Cytogenetic location: 12q12.
Variant type: single nucleotide variant.
Coding change: c.4744C>T on transcript NM_198578.4 (MANE Select); coding-DNA position 4744, C replaced by T.
Protein change: p.Leu1582Phe; replaces leucine 1582 with phenylalanine.
Molecular consequence: missense variant.
Genome position (GRCh38, 1-based): chr12:40,315,217, C>T. VCF-style: chr12-40315217-C-T. GRCh37 (hg19) VCF-style: chr12-40709019-C-T.
Other names: short protein forms L1582F.
Identifiers: ClinVar variation 1742790 (VCV001742790.2), dbSNP rs1945176082, ClinGen allele CA384419187.

ClinVar aggregate classification (germline): Uncertain significance (1 of 4 stars; one submission).

Conditions:
Inborn genetic diseases. Identifiers: MedGen C0950123, MeSH D030342.

Allele frequency attached by ClinVar (database versions not stated): TOPMed below 0.00001.

Submission:

Ambry Genetics
Classification: Uncertain significance for Inborn genetic diseases. Last evaluated: 2021-10-27. Review status: criteria provided, single submitter. Criteria: Ambry Variant Classification Scheme 2023. Collection method: clinical testing. Allele origin: germline.
Comment: The p.L1582F variant (also known as c.4744C>T), located in coding exon 33 of the LRRK2 gene, results from a C to T substitution at nucleotide position 4744. The leucine at codon 1582 is replaced by phenylalanine, an amino acid with highly similar properties. This amino acid position is conserved. In addition, the in silico prediction for this alteration is inconclusive. Since supporting evidence is limited at this time, the clinical significance of this alteration remains unclear.